The following is an entry in ClinVar:

NM_201384.3(PLEC):c.4928GGCTGC[1] (p.1643RL[1])

Gene: PLEC (plectin; minus strand). Cytogenetic location: 8q24.3.
Variant type: Microsatellite.
Coding change: c.4928GGCTGC[1] on transcript NM_201384.3 (MANE Select); one copy of the 6-base unit GGCTGC starting at c.4928; the reference has two copies in a row; one copy, 6 bases deleted.
Protein change: p.1643RL[1].
Molecular consequence: inframe deletion. On other transcripts: intron variant (1).
Genome position (GRCh38, 1-based): chr8:143,924,990-143,924,995, GCAGCC deleted on the plus strand (GGCTGC on the coding strand, the reverse complement: PLEC is on the minus strand); deleting any 6 consecutive bases within chr8:143,924,990-143,925,002 gives the same sequence; the position shown is the placement nearest the transcript's 3' end. VCF-style (leftmost placement, unchanged base first): chr8-143924989-TGCAGCC-T. GRCh37 (hg19) VCF-style: chr8-144999157-TGCAGCC-T.
Other names: c.5009GGCTGC[1], p.1670RL[1] (NM_000445.5); c.4886GGCTGC[1], p.1629RL[1] (NM_201378.4); c.4862GGCTGC[1], p.1621RL[1] (NM_201379.3); c.5339GGCTGC[1], p.1780RL[1] (NM_201380.4); c.4832GGCTGC[1], p.1611RL[1] (NM_201381.3); c.4928GGCTGC[1], p.1643RL[1] (NM_201382.4); c.4940GGCTGC[1], p.1647RL[1] (NM_201383.3); c.4125+1789_4125+1794del (NM_001410941.1).
Identifiers: ClinVar variation 3758179 (VCV003758179.2).
Genomic context (GRCh38, chr8:143,924,989, plus strand): 5'-TCCTTCTGCTTCTCAGCCTCGGCCTGCGCCAGGCTCTTCTGCTGCGCCACCTCCTCCGCC[TGCAGCC>T]GCAGCCGTAGCGCCTCGTTGGCCTTGAGCTGCCAGCGCTCCAGCTCCCGCTCTGCCTCCT-3'

ClinVar aggregate classification (germline): Uncertain significance (1 of 4 stars; one submission).

Conditions:
Epidermolysis bullosa simplex with nail dystrophy (EBS5D). Identifiers: MedGen C4225309, MONDO:0014661, OMIM 616487.
Epidermolysis bullosa simplex, Ogna type (EBS5A). Also called: Pidermolysis bullosa simplex 5A, Ogna type; EPIDERMOLYSIS BULLOSA SIMPLEX 5A, OGNA TYPE. Identifiers: Orphanet 79401, MedGen C0432317, MONDO:0007555, OMIM 131950.
Autosomal recessive limb-girdle muscular dystrophy type 2Q (LGMDR17). Also called: MUSCULAR DYSTROPHY, LIMB-GIRDLE, AUTOSOMAL RECESSIVE 17. Identifiers: Orphanet 254361, MedGen C3150989, MONDO:0013390, OMIM 613723.
Epidermolysis bullosa simplex 5B, with muscular dystrophy (EBS5B). Also called: EPIDERMOLYSIS BULLOSA SIMPLEX AND LIMB-GIRDLE MUSCULAR DYSTROPHY; Epidermolysis bullosa simplex with muscular dystrophy. Identifiers: Orphanet 257, MedGen C2931072, MONDO:0009181, OMIM 226670.
Epidermolysis bullosa simplex 5C, with pyloric atresia (EBS5C). Also called: PLEC-Related Epidermolysis Bullosa with Pyloric Atresia; Epidermolysis bullosa simplex with pyloric atresia; PLEC1-Related Epidermolysis Bullosa with Pyloric Atresia. Identifiers: Orphanet 158684, MedGen C2677349, MONDO:0012807, OMIM 612138.

Submission:

Labcorp Genetics (formerly Invitae), Labcorp
Classification: Uncertain significance for Autosomal recessive limb-girdle muscular dystrophy type 2Q; Epidermolysis bullosa simplex, Ogna type; Epidermolysis bullosa simplex with nail dystrophy; Epidermolysis bullosa simplex 5C, with pyloric atresia; Epidermolysis bullosa simplex 5B, with muscular dystrophy. Last evaluated: 2024-10-23. Review status: criteria provided, single submitter. Criteria: Invitae Variant Classification Sherloc (09022015). Collection method: clinical testing. Allele origin: germline.
Comment: This variant, c.5015_5020del, results in the deletion of 2 amino acid(s) of the PLEC protein (p.Arg1672_Leu1673del), but otherwise preserves the integrity of the reading frame. This variant is not present in population databases (gnomAD no frequency). This variant has not been reported in the literature in individuals affected with PLEC-related conditions. Experimental studies and prediction algorithms are not available or were not evaluated, and the functional significance of this variant is currently unknown. In summary, the available evidence is currently insufficient to determine the role of this variant in disease. Therefore, it has been classified as a Variant of Uncertain Significance.